The following is an entry in ClinVar:

ClinVar aggregate classification (germline): Benign. Review status: criteria provided, single submitter (1 of 4 stars). 2 submissions from 1 submitter: Benign (2). Last evaluated 2018-01-13.

Conditions:
Holoprosencephaly 7 (HPE7). Identifiers: Orphanet 2162, MedGen C1835820, MONDO:0012562, OMIM 610828.
Gorlin syndrome. Also called: Basal cell nevus syndrome; Nevoid Basal Cell Carcinoma Syndrome. Identifiers: Orphanet 377, MedGen C0004779, MONDO:0007187.

Allele frequency attached by ClinVar (database versions not stated): TOPMed 0.00358; gnomAD 0.00386 and 0.00464; 1000 Genomes Project 0.00879; 1000 Genomes Project 30x 0.00906.

Submissions (2):

Illumina Laboratory Services, Illumina
Classification: Benign for Basal cell nevus syndrome 1. Last evaluated: 2018-01-13. Review status: criteria provided, single submitter. Criteria: ICSL Variant Classification Criteria 13 December 2019. Collection method: clinical testing. Allele origin: germline.
Comment: This variant was observed in the ICSL laboratory as part of a predisposition screen in an ostensibly healthy population. It had not been previously curated by ICSL or reported in the Human Gene Mutation Database (HGMD: prior to June 1st, 2018), and was therefore a candidate for classification through an automated scoring system. Utilizing variant allele frequency, disease prevalence and penetrance estimates, and inheritance mode, an automated score was calculated to assess if this variant is too frequent to cause the disease. Based on the score and internal cut-off values, a variant classified as benign is not then subjected to further curation. The score for this variant resulted in a classification of benign for this disease.

Illumina Laboratory Services, Illumina
Classification: Benign for Holoprosencephaly 7. Last evaluated: 2018-01-13. Review status: criteria provided, single submitter. Criteria: ICSL Variant Classification Criteria 13 December 2019. Collection method: clinical testing. Allele origin: germline.
Comment: the same text as in the submission from Illumina Laboratory Services, Illumina above.

NM_000264.5(PTCH1):c.*780C>T

Gene: PTCH1 (patched 1; minus strand). Cytogenetic location: 9q22.32.
Variant type: single nucleotide variant.
Coding change: c.*780C>T on transcript NM_000264.5 (MANE Select); 780 bases downstream of the stop codon, C replaced by T.
Molecular consequence: 3 prime UTR variant. On other transcripts: non-coding transcript variant (1).
Genome position (GRCh38, 1-based): chr9:95,445,613, G>A on the plus strand (C>T on the coding strand, the complement: PTCH1 is on the minus strand). VCF-style: chr9-95445613-G-A. GRCh37 (hg19) VCF-style: chr9-98207895-G-A.
Other names: c.*780C>T (NM_001083602.3, NM_001083603.3, NM_001083604.3 and 4 more transcripts).
Identifiers: ClinVar variation 367653 (VCV000367653.5), dbSNP rs75765727, ClinGen allele CA10634200.